The following is an entry in ClinVar:

NM_006206.6(PDGFRA):c.158G>T (p.Ser53Ile)

Gene: PDGFRA (platelet derived growth factor receptor alpha; plus strand). Cytogenetic location: 4q12.
Variant type: single nucleotide variant.
Coding change: c.158G>T on transcript NM_006206.6 (MANE Select); coding-DNA position 158, G replaced by T.
Protein change: p.Ser53Ile; replaces serine 53 with isoleucine.
Molecular consequence: missense variant.
Genome position (GRCh38, 1-based): chr4:54,261,203, G>T. VCF-style: chr4-54261203-G-T. GRCh37 (hg19) VCF-style: chr4-55127370-G-T.
Other names: c.158G>T, p.Ser53Ile (NM_001347827.2, NM_001347829.2); c.233G>T, p.Ser78Ile (NM_001347828.2); c.197G>T, p.Ser66Ile (NM_001347830.2); short protein forms S66I, S78I, S53I.
Identifiers: ClinVar variation 654298 (VCV000654298.9), dbSNP rs1190592187, ClinGen allele CA356888374.

ClinVar aggregate classification (germline): Uncertain significance. Review status: criteria provided, multiple submitters, no conflicts (2 of 4 stars). 3 submissions from 3 submitters: Uncertain significance (3). Last evaluated 2025-06-03.

Conditions:
Hereditary cancer-predisposing syndrome. Also called: Neoplastic Syndromes, Hereditary; Tumor predisposition; Hereditary Cancer Syndrome; Hereditary neoplastic syndrome. Identifiers: Orphanet 140162, MedGen C0027672, MeSH D009386, MONDO:0015356.
Gastrointestinal stromal tumor. Also called: Gastrointestinal stromal tumor, somatic; Gastrointestinal stroma tumor. Identifiers: Orphanet 44890, MedGen C0238198, MeSH D046152, MONDO:0011719, OMIM 606764, HP:0100723.

Allele frequency attached by ClinVar (database versions not stated): TOPMed below 0.00001.

Submissions (3):

Labcorp Genetics (formerly Invitae), Labcorp
Classification: Uncertain significance for Gastrointestinal stromal tumor. Last evaluated: 2025-06-03. Review status: criteria provided, single submitter. Criteria: Invitae Variant Classification Sherloc (09022015). Collection method: clinical testing. Allele origin: germline.
Comment: This sequence change replaces serine, which is neutral and polar, with isoleucine, which is neutral and non-polar, at codon 53 of the PDGFRA protein (p.Ser53Ile). This variant is not present in population databases (gnomAD no frequency). This variant has not been reported in the literature in individuals affected with PDGFRA-related conditions. ClinVar contains an entry for this variant (Variation ID: 654298). Invitae Evidence Modeling of protein sequence and biophysical properties (such as structural, functional, and spatial information, amino acid conservation, physicochemical variation, residue mobility, and thermodynamic stability) indicates that this missense variant is not expected to disrupt PDGFRA protein function with a negative predictive value of 80%. In summary, the available evidence is currently insufficient to determine the role of this variant in disease. Therefore, it has been classified as a Variant of Uncertain Significance.

Ambry Genetics
Classification: Uncertain significance for Hereditary cancer-predisposing syndrome. Last evaluated: 2024-03-09. Review status: criteria provided, single submitter. Criteria: Ambry Variant Classification Scheme 2023. Collection method: clinical testing. Allele origin: germline.
Comment: The p.S53I variant (also known as c.158G>T), located in coding exon 2 of the PDGFRA gene, results from a G to T substitution at nucleotide position 158. The serine at codon 53 is replaced by isoleucine, an amino acid with dissimilar properties. This amino acid position is conserved. In addition, the in silico prediction for this alteration is inconclusive. Based on the available evidence, the clinical significance of this alteration remains unclear.

GeneDx
Classification: Uncertain significance. Last evaluated: 2023-10-04. Review status: criteria provided, single submitter. Criteria: GeneDx Variant Classification Process June 2021. Collection method: clinical testing. Allele origin: germline. Affected: yes.
Comment: Not observed at significant frequency in large population cohorts (gnomAD); In silico analysis supports that this missense variant has a deleterious effect on protein structure/function; Has not been previously published as pathogenic or benign to our knowledge